The following is an entry in ClinVar:

NM_001854.4(COL11A1):c.807T>A (p.Tyr269Ter)

Gene: COL11A1 (collagen type XI alpha 1 chain; minus strand). Cytogenetic location: 1p21.1.
Variant type: single nucleotide variant.
Coding change: c.807T>A on transcript NM_001854.4 (MANE Select); coding-DNA position 807, T replaced by A.
Protein change: p.Tyr269Ter; replaces tyrosine 269 with a stop codon.
Molecular consequence: nonsense. On other transcripts: non-coding transcript variant (1), intron variant (2).
Genome position (GRCh38, 1-based): chr1:103,026,306, A>T on the plus strand (T>A on the coding strand, the complement: COL11A1 is on the minus strand). VCF-style: chr1-103026306-A-T. GRCh37 (hg19) VCF-style: chr1-103491862-A-T.
Other names: c.807T>A, p.Tyr269Ter (NM_080630.4); c.781-693T>A (NM_001190709.2); c.781-354T>A (NM_080629.3); short protein forms Y269*.
Identifiers: ClinVar variation 4082350 (VCV004082350.1).

ClinVar aggregate classification (germline): Pathogenic (1 of 4 stars; one submission).

Conditions:
Stickler syndrome type 2 (STL2). Also called: STICKLER SYNDROME, TYPE II; COL11A1-Related Stickler Syndrome; STICKLER SYNDROME, BEADED VITREOUS TYPE; STICKLER SYNDROME, VITREOUS TYPE 2. Identifiers: Orphanet 828, Orphanet 90654, MedGen C1858084, MONDO:0011493, OMIM 604841.

Submission:

Institute of Human Genetics, University of Leipzig Medical Center
Classification: Pathogenic for Stickler syndrome type 2. Last evaluated: 2025-07-22. Review status: criteria provided, single submitter. Criteria: ACMG Guidelines, 2015. Collection method: clinical testing. Allele origin: maternal. Affected: yes.
Comment: Criteria applied: PVS1,PM2,PM3_SUP